The following is an entry in ClinVar:

NM_003079.5(SMARCE1):c.455C>T (p.Ala152Val)

Gene: SMARCE1 (SWI/SNF related BAF chromatin remodeling complex subunit E1; minus strand). Cytogenetic location: 17q21.2.
Variant type: single nucleotide variant.
Coding change: c.455C>T on transcript NM_003079.5 (MANE Select); coding-DNA position 455, C replaced by T.
Protein change: p.Ala152Val; replaces alanine 152 with valine.
Molecular consequence: missense variant.
Genome position (GRCh38, 1-based): chr17:40,636,017, G>A on the plus strand (C>T on the coding strand, the complement: SMARCE1 is on the minus strand). VCF-style: chr17-40636017-G-A. GRCh37 (hg19) VCF-style: chr17-38792269-G-A.
Other names: short protein forms A152V.
Identifiers: ClinVar variation 824999 (VCV000824999.14), dbSNP rs781231331, ClinGen allele CA8545239.

ClinVar aggregate classification (germline): Uncertain significance. Review status: criteria provided, multiple submitters, no conflicts (2 of 4 stars). 3 submissions from 3 submitters: Uncertain significance (3). Last evaluated 2026-01-11.

Conditions:
Hereditary cancer-predisposing syndrome. Also called: Neoplastic Syndromes, Hereditary; Tumor predisposition; Hereditary neoplastic syndrome; Hereditary Cancer Syndrome. Identifiers: Orphanet 140162, MedGen C0027672, MeSH D009386, MONDO:0015356.
Familial meningioma. Also called: Meningioma, familial, susceptibility to. Identifiers: Orphanet 263662, MedGen C3551915, MONDO:0011789, OMIM 607174.

Allele frequency attached by ClinVar (database versions not stated): ExAC 0.00001; gnomAD exomes 0.00001 and 0.00002.

Submissions (3):

Labcorp Genetics (formerly Invitae), Labcorp
Classification: Uncertain significance for Familial meningioma. Last evaluated: 2026-01-11. Review status: criteria provided, single submitter. Criteria: Invitae Variant Classification Sherloc (09022015). Collection method: clinical testing. Allele origin: germline.
Comment: This sequence change replaces alanine, which is neutral and non-polar, with valine, which is neutral and non-polar, at codon 152 of the SMARCE1 protein (p.Ala152Val). This variant is present in population databases (rs781231331, gnomAD 0.002%). This variant has not been reported in the literature in individuals affected with SMARCE1-related conditions. ClinVar contains an entry for this variant (Variation ID: 824999). Invitae Evidence Modeling of protein sequence and biophysical properties (such as structural, functional, and spatial information, amino acid conservation, physicochemical variation, residue mobility, and thermodynamic stability) has been performed for this missense variant. However, the output from this modeling did not meet the statistical confidence thresholds required to predict the impact of this variant on SMARCE1 protein function. In summary, the available evidence is currently insufficient to determine the role of this variant in disease. Therefore, it has been classified as a Variant of Uncertain Significance.

GeneDx
Classification: Uncertain significance. Last evaluated: 2024-02-28. Review status: criteria provided, single submitter. Criteria: GeneDx Variant Classification Process June 2021. Collection method: clinical testing. Allele origin: germline. Affected: yes.
Comment: In silico analysis supports that this missense variant has a deleterious effect on protein structure/function; Has not been previously published as pathogenic or benign to our knowledge

Ambry Genetics
Classification: Uncertain significance for Hereditary cancer-predisposing syndrome. Last evaluated: 2023-12-08. Review status: criteria provided, single submitter. Criteria: Ambry Variant Classification Scheme 2023. Collection method: clinical testing. Allele origin: germline.
Comment: The p.A152V variant (also known as c.455C>T), located in coding exon 6 of the SMARCE1 gene, results from a C to T substitution at nucleotide position 455. The alanine at codon 152 is replaced by valine, an amino acid with similar properties. This amino acid position is highly conserved in available vertebrate species. In addition, the in silico prediction for this alteration is inconclusive. Missense and in-frame variants in SMARCE1 are known to cause neurodevelopmental disorders; however, such associations with increased risk of meningiomas are exceedingly rare (Kosho T et al. Am J Med Genet C Semin Med Genet. 2014 Sep;166C(3):262-75; Smith JM et al. Nat Genet. 2013 Mar;45(3):295-8). Since supporting evidence is limited at this time, the clinical significance of this alteration remains unclear.